The following is an entry in ClinVar:

NM_001903.5(CTNNA1):c.1899+1G>A

Gene: CTNNA1 (catenin alpha 1; plus strand). Cytogenetic location: 5q31.2.
Variant type: single nucleotide variant.
Coding change: c.1899+1G>A on transcript NM_001903.5 (MANE Select); the canonical splice donor site of the intron after coding-DNA position 1899, G replaced by A.
Molecular consequence: splice donor variant.
Genome position (GRCh38, 1-based): chr5:138,925,408, G>A. VCF-style: chr5-138925408-G-A. GRCh37 (hg19) VCF-style: chr5-138261097-G-A.
Other names: c.1899+1G>A (NM_001323982.2, NM_001323984.2, NM_001290307.3 and 2 more transcripts); c.1806+1G>A (NM_001323986.2); c.1530+1G>A (NM_001290310.3); c.1590+1G>A (NM_001290309.3); c.789+1G>A (NM_001323996.1, NM_001323993.1, NM_001324005.1 and 17 more transcripts); c.450+1G>A (NM_001324007.1, NM_001324009.1, NM_001324006.1 and 2 more transcripts); c.546+1G>A (NM_001324013.1, NM_001324012.1); c.696+1G>A (NM_001324011.1).
Identifiers: ClinVar variation 1003186 (VCV001003186.7), dbSNP rs1580862601, ClinGen allele CA361132473.

ClinVar aggregate classification (germline): Likely pathogenic (1 of 4 stars; one submission).

Allele frequency attached by ClinVar (database versions not stated): gnomAD exomes below 0.00001.
gnomAD v4.1: 1 of 1,613,404 alleles (0.000062%); highest among the groups gnomAD compares: Non-Finnish European, 0.000085%; no homozygotes.

Submission:

Labcorp Genetics (formerly Invitae), Labcorp
Classification: Likely pathogenic. Last evaluated: 2023-05-15. Review status: criteria provided, single submitter. Criteria: Invitae Variant Classification Sherloc (09022015). Collection method: clinical testing. Allele origin: germline.
Comment: In summary, the currently available evidence indicates that the variant is pathogenic, but additional data are needed to prove that conclusively. Therefore, this variant has been classified as Likely Pathogenic. Algorithms developed to predict the effect of sequence changes on RNA splicing suggest that this variant may disrupt the consensus splice site. ClinVar contains an entry for this variant (Variation ID: 1003186). This variant has not been reported in the literature in individuals affected with CTNNA1-related conditions. This variant is not present in population databases (gnomAD no frequency). This sequence change affects a donor splice site in intron 13 of the CTNNA1 gene. It is expected to disrupt RNA splicing. Variants that disrupt the donor or acceptor splice site typically lead to a loss of protein function (PMID: 16199547), and loss-of-function variants in CTNNA1 are known to be pathogenic (PMID: 32051609, 34425242).

Literature cited by the submitters: PubMed 16199547; PubMed 32051609; PubMed 34425242.